The following is an entry in ClinVar:

NM_152703.5(SAMD9L):c.1695G>A (p.Trp565Ter)

Gene: SAMD9L (sterile alpha motif domain containing 9 like; minus strand). Cytogenetic location: 7q21.2.
Variant type: single nucleotide variant.
Coding change: c.1695G>A on transcript NM_152703.5 (MANE Select); coding-DNA position 1695, G replaced by A.
Protein change: p.Trp565Ter; replaces tryptophan 565 with a stop codon.
Molecular consequence: nonsense.
Genome position (GRCh38, 1-based): chr7:93,134,277, C>T on the plus strand (G>A on the coding strand, the complement: SAMD9L is on the minus strand). VCF-style: chr7-93134277-C-T. GRCh37 (hg19) VCF-style: chr7-92763590-C-T.
Other names: c.1695G>A, p.Trp565Ter (NM_001303496.3, NM_001303497.3, NM_001303498.3 and 5 more transcripts); short protein forms W565*.
Identifiers: ClinVar variation 4706631 (VCV004706631.1).

ClinVar aggregate classification (germline): Uncertain significance (1 of 4 stars; one submission).

Submission:

Labcorp Genetics (formerly Invitae), Labcorp
Classification: Uncertain significance. Last evaluated: 2025-10-07. Review status: criteria provided, single submitter. Criteria: Invitae Variant Classification Sherloc (09022015). Collection method: clinical testing. Allele origin: germline.
Comment: This sequence change creates a premature translational stop signal (p.Trp565*) in the SAMD9L gene. While this is not anticipated to result in nonsense mediated decay, it is expected to disrupt the last 1020 amino acid(s) of the SAMD9L protein. This variant is present in population databases (rs749791360, gnomAD 0.02%). This variant has not been reported in the literature in individuals affected with SAMD9L-related conditions. Experimental studies and prediction algorithms are not available or were not evaluated, and the functional significance of this variant is currently unknown. In summary, the available evidence is currently insufficient to determine the role of this variant in disease. Therefore, it has been classified as a Variant of Uncertain Significance.